The following is an entry in ClinVar:

ClinVar aggregate classification (germline): Pathogenic/Likely pathogenic. Review status: criteria provided, multiple submitters, no conflicts (2 of 4 stars). 3 submissions from 3 submitters: Pathogenic (2); Likely pathogenic (1). Last evaluated 2026-07-06.

Conditions:
Bardet-Biedl syndrome (BBS). Identifiers: Orphanet 110, MedGen C0752166, MONDO:0015229.
Bardet-Biedl syndrome 12 (BBS12). Identifiers: Orphanet 110, MedGen C1859570, MONDO:0014440, OMIM 615989.

Submissions (3):

Myriad Genetics, Inc.
Classification: Pathogenic for Bardet-Biedl syndrome 12. Last evaluated: 2026-07-06. Review status: criteria provided, single submitter. Criteria: Myriad Autosomal Dominant, Autosomal Recessive and X-Linked Classification Criteria (2023). Collection method: clinical testing. Allele origin: unknown.
Comment: NM_152618.2(BBS12):c.1480dupA(T494Nfs*5) is a frameshift variant classified as pathogenic in the context of Bardet-Biedl syndrome, BBS12-related. T494Nfs*5 has been observed in a case with relevant disease (PMID: 37431782). Relevant functional assessments of this variant are not available in the literature. T494Nfs*5 has not been observed in referenced population frequency databases. In summary, NM_152618.2(BBS12):c.1480dupA(T494Nfs*5) is a frameshift variant in a gene where loss of function is a known mechanism of disease, is predicted to disrupt protein function, and has been observed more frequently in cases with the relevant disease than in healthy populations. Please note: this variant was assessed in the context of healthy population screening.

Baylor Genetics
Classification: Likely pathogenic for Bardet-Biedl syndrome 12. Last evaluated: 2024-01-02. Review status: criteria provided, single submitter. Criteria: ACMG Guidelines, 2015. Collection method: clinical testing. Allele origin: unknown.

SN ONGC Dept of Genetics and Molecular biology Vision Research Foundation
Classification: Pathogenic for Bardet-Biedl syndrome. Review status: criteria provided, single submitter. Criteria: ACMG Guidelines, 2015. Collection method: research. Allele origin: unknown. Affected: yes.

Literature cited by the submitters: PubMed 37431782 (cited by Myriad Genetics, Inc.).

NM_152618.3(BBS12):c.1480dup (p.Thr494fs)

Gene: BBS12 (Bardet-Biedl syndrome 12; plus strand). Cytogenetic location: 4q27.
Variant type: Duplication.
Coding change: c.1480dup on transcript NM_152618.3 (MANE Select); coding-DNA position 1480, one base duplicated (A; older notation c.1480dupA).
Protein change: p.Thr494fs; shifts the reading frame from threonine 494.
Molecular consequence: frameshift variant.
Genome position (GRCh38, 1-based): chr4:122,743,372, A duplicated; the last of 5 consecutive A bases (chr4:122,743,368-122,743,372); duplicating any one gives the same sequence. VCF-style (leftmost placement, unchanged base first): chr4-122743367-T-TA. GRCh37 (hg19) VCF-style: chr4-123664522-T-TA.
Other names: c.1480dup, p.Thr494fs (NM_001178007.2); short protein forms T494fs.
Identifiers: ClinVar variation 2498304 (VCV002498304.3), dbSNP rs2485076903, ClinGen allele CA2580071471.